The following is an entry in ClinVar:

ClinVar aggregate classification (germline): Uncertain significance. Review status: criteria provided, multiple submitters, no conflicts (2 of 4 stars). 2 submissions from 2 submitters: Uncertain significance (2). Last evaluated 2025-11-06.

Conditions:
Hereditary nonpolyposis colorectal neoplasms. Identifiers: MedGen C0009405, MeSH D003123.
Hereditary cancer-predisposing syndrome. Also called: Tumor predisposition; Hereditary Cancer Syndrome; Hereditary neoplastic syndrome; Neoplastic Syndromes, Hereditary. Identifiers: Orphanet 140162, MedGen C0027672, MeSH D009386, MONDO:0015356.

Submissions (2):

Ambry Genetics
Classification: Uncertain significance for Hereditary cancer-predisposing syndrome. Last evaluated: 2025-11-06. Review status: criteria provided, single submitter. Criteria: Ambry Variant Classification Scheme 2023. Collection method: clinical testing. Allele origin: germline.
Comment: The p.V1212A variant (also known as c.3635T>C), located in coding exon 7 of the MSH6 gene, results from a T to C substitution at nucleotide position 3635. The valine at codon 1212 is replaced by alanine, an amino acid with similar properties. This amino acid position is conserved. In addition, the in silico prediction for this alteration is inconclusive. Based on the available evidence, the clinical significance of this variant remains unclear.

Labcorp Genetics (formerly Invitae), Labcorp
Classification: Uncertain significance for Hereditary nonpolyposis colorectal neoplasms. Last evaluated: 2016-08-25. Review status: criteria provided, single submitter. Criteria: Invitae Variant Classification Sherloc (09022015). Collection method: clinical testing. Allele origin: germline.
Comment: In summary, this variant is a novel missense change with uncertain impact on protein function. It has been classified as a Variant of Uncertain Significance. Algorithms developed to predict the effect of missense changes on protein structure and function do not agree on the potential impact of this missense change (SIFT: "Deleterious"; PolyPhen-2: "Benign"; Align-GVGD: "Class C25"). This variant is not present in population databases (ExAC no frequency) and has not been reported in the literature in individuals with an MSH6-related disease. This sequence change replaces valine with alanine at codon 1212 of the MSH6 protein (p.Val1212Ala). The valine residue is weakly conserved and there is a small physicochemical difference between valine and alanine.

NM_000179.3(MSH6):c.3635T>C (p.Val1212Ala)

Gene: MSH6 (mutS homolog 6; plus strand). Cytogenetic location: 2p16.3.
Variant type: single nucleotide variant.
Coding change: c.3635T>C on transcript NM_000179.3 (MANE Select); coding-DNA position 3635, T replaced by C.
Protein change: p.Val1212Ala; replaces valine 1212 with alanine.
Molecular consequence: missense variant.
Genome position (GRCh38, 1-based): chr2:47,805,696, T>C. VCF-style: chr2-47805696-T-C. GRCh37 (hg19) VCF-style: chr2-48032835-T-C.
Other names: c.3245T>C, p.Val1082Ala (NM_001281492.2); c.2729T>C, p.Val910Ala (NM_001281493.2, NM_001281494.2); short protein forms V1212A, V1082A, V910A.
Identifiers: ClinVar variation 410427 (VCV000410427.50), dbSNP rs1060502896, ClinGen allele CA16610979.
Genomic context (GRCh38, chr2:47,805,696, plus strand): 5'-TTGAATTAAGTGAAACTGCCAGCATACTCATGCATGCAACAGCACATTCTCTGGTGCTTG[T>C]GGATGAATTAGGTAAGACATTAAACTTCTCATTTGAAGACTATCTATCTTAAAAACATTT-3'
Protein context (NP_000170.1, residues 1202-1222): MHATAHSLVL[Val1212Ala]DELGRGTATF